The following is an entry in ClinVar:

ClinVar aggregate classification (germline): Uncertain significance (1 of 4 stars; one submission).

Conditions:
Hereditary nonpolyposis colorectal neoplasms. Identifiers: MedGen C0009405, MeSH D003123.

Submission:

Labcorp Genetics (formerly Invitae), Labcorp
Classification: Uncertain significance for Hereditary nonpolyposis colorectal neoplasms. Last evaluated: 2022-02-18. Review status: criteria provided, single submitter. Criteria: Invitae Variant Classification Sherloc (09022015). Collection method: clinical testing. Allele origin: germline.
Comment: This sequence change results in a frameshift in the MSH6 gene (p.Lys1358_Leu1360delinsGlySerPheext*21). While this is not anticipated to result in nonsense mediated decay, it is expected to disrupt the last 3 amino acid(s) of the MSH6 protein and extend the protein by 21 additional amino acid residues. This variant is not present in population databases (gnomAD no frequency). This variant has not been reported in the literature in individuals affected with MSH6-related conditions. ClinVar contains an entry for this variant (Variation ID: 455320). Experimental studies and prediction algorithms are not available or were not evaluated, and the functional significance of this variant is currently unknown. In summary, the available evidence is currently insufficient to determine the role of this variant in disease. Therefore, it has been classified as a Variant of Uncertain Significance.

NM_000179.3(MSH6):c.4072_*12del (p.Lys1358_Ter1361del)

Gene: MSH6 (mutS homolog 6; plus strand). Cytogenetic location: 2p16.3.
Variant type: Deletion.
Coding change: c.4072_*12del on transcript NM_000179.3 (MANE Select); coding-DNA position 4072 through 12 bases downstream of the stop codon, 24 bases deleted (AAGGAATTATAGACTGACTACATT).
Protein change: p.Lys1358_Ter1361del.
Molecular consequence: stop lost, inframe deletion.
Genome position (GRCh38, 1-based): chr2:47,806,849-47,806,872, AAGGAATTATAGACTGACTACATT deleted; deleting any 24 consecutive bases within chr2:47,806,846-47,806,872 gives the same sequence; the c. name uses the placement nearest the transcript's 3' end. VCF-style (leftmost placement, unchanged base first): chr2-47806845-GATTAAGGAATTATAGACTGACTAC-G. GRCh37 (hg19) VCF-style: chr2-48033984-GATTAAGGAATTATAGACTGACTAC-G.
Other names: c.3682_*12del, p.Lys1228_Ter1231del (NM_001281492.2); c.3166_*12del, p.Lys1056_Ter1059del (NM_001281493.2, NM_001281494.2).
Identifiers: ClinVar variation 455320 (VCV000455320.9), dbSNP rs1553334099, ClinGen allele CA658655790.
Genomic context (GRCh38, chr2:47,806,845, plus strand): 5'-TTGCCTGGCTAGTGAAAGGTCAACTGTAGATGCTGAAGCTGTCCATAAATTGCTGACTTT[GATTAAGGAATTATAGACTGACTAC>G]ATTGGAAGCTTTGAGTTGACTTCTGACAAAGGTGGTAAATTCAGACAACATTATGATCTA-3'